The following is an entry in ClinVar:

NM_014974.3(DIP2C):c.2134A>G (p.Ile712Val)

Gene: DIP2C (DIP2 acetate--CoA ligase C (putative); minus strand). Cytogenetic location: 10p15.3.
Variant type: single nucleotide variant.
Coding change: c.2134A>G on transcript NM_014974.3 (MANE Select); coding-DNA position 2134, A replaced by G.
Protein change: p.Ile712Val; replaces isoleucine 712 with valine.
Molecular consequence: missense variant.
Genome position (GRCh38, 1-based): chr10:366,409, T>C on the plus strand (A>G on the coding strand, the complement: DIP2C is on the minus strand). VCF-style: chr10-366409-T-C. GRCh37 (hg19) VCF-style: chr10-412349-T-C.
Other names: short protein forms I712V.
Identifiers: ClinVar variation 2869347 (VCV002869347.3), dbSNP rs774851137, ClinGen allele CA5380559.

ClinVar aggregate classification (germline): Uncertain significance (1 of 4 stars; one submission).

Allele frequency attached by ClinVar (database versions not stated): ExAC 0.00002; TOPMed 0.00002; gnomAD 0.00003; gnomAD exomes 0.00004.
gnomAD v4.1: 57 of 1,614,058 alleles (0.0035%); highest among the groups gnomAD compares: Non-Finnish European, 0.0046%; no homozygotes.

Submission:

Labcorp Genetics (formerly Invitae), Labcorp
Classification: Uncertain significance. Last evaluated: 2023-11-11. Review status: criteria provided, single submitter. Criteria: Invitae Variant Classification Sherloc (09022015). Collection method: clinical testing. Allele origin: germline.
Comment: This sequence change replaces isoleucine, which is neutral and non-polar, with valine, which is neutral and non-polar, at codon 712 of the DIP2C protein (p.Ile712Val). This variant is present in population databases (rs774851137, gnomAD 0.006%). This variant has not been reported in the literature in individuals affected with DIP2C-related conditions. An algorithm developed to predict the effect of missense changes on protein structure and function (PolyPhen-2) suggests that this variant is likely to be tolerated. In summary, the available evidence is currently insufficient to determine the role of this variant in disease. Therefore, it has been classified as a Variant of Uncertain Significance.